The following is an entry in ClinVar:

NM_001277115.2(DNAH11):c.3650A>G (p.Glu1217Gly)

Gene: DNAH11 (dynein axonemal heavy chain 11; plus strand). Cytogenetic location: 7p15.3.
Variant type: single nucleotide variant.
Coding change: c.3650A>G on transcript NM_001277115.2 (MANE Select); coding-DNA position 3650, A replaced by G.
Protein change: p.Glu1217Gly; replaces glutamic acid 1217 with glycine.
Molecular consequence: missense variant.
Genome position (GRCh38, 1-based): chr7:21,606,427, A>G. VCF-style: chr7-21606427-A-G. GRCh37 (hg19) VCF-style: chr7-21646045-A-G.
Other names: c.3650A>G, p.Glu1217Gly (NM_003777.3); short protein forms E1217G.
Identifiers: ClinVar variation 2135813 (VCV002135813.1), dbSNP rs550890688, ClinGen allele CA155091154.
Genomic context (GRCh38, chr7:21,606,427, plus strand): 5'-TAGGGTTGATTTGTTTTAGGAATTGAAGTAATTTCGCATTTGTGCCTTTGCTTTTGCAGG[A>G]ATTACCTGAAAGATGGGAAACTACCAAAAAGATCGCAGCAACTGTCAGACATGAAGTCTC-3'
Protein context (NP_001264044.1, residues 1207-1227): MPEQVYIQLE[Glu1217Gly]LPERWETTKK

ClinVar aggregate classification (germline): Uncertain significance (1 of 4 stars; one submission).

Conditions:
Primary ciliary dyskinesia. Also called: Ciliary dyskinesia. Identifiers: Orphanet 244, MedGen C0008780, MONDO:0016575, HP:0012265.

Allele frequency attached by ClinVar (database versions not stated): 1000 Genomes Project 0.00020; gnomAD 0.00001; 1000 Genomes Project 30x 0.00016.
gnomAD v4.1: 1 of 1,606,056 alleles (0.000062%); highest among the groups gnomAD compares: East Asian, 0.0022%; no homozygotes.

Submission:

Labcorp Genetics (formerly Invitae), Labcorp
Classification: Uncertain significance for Primary ciliary dyskinesia. Last evaluated: 2022-07-03. Review status: criteria provided, single submitter. Criteria: Invitae Variant Classification Sherloc (09022015). Collection method: clinical testing. Allele origin: germline.
Comment: This sequence change replaces glutamic acid, which is acidic and polar, with glycine, which is neutral and non-polar, at codon 1217 of the DNAH11 protein (p.Glu1217Gly). This variant is not present in population databases (gnomAD no frequency). This variant has not been reported in the literature in individuals affected with DNAH11-related conditions. Algorithms developed to predict the effect of missense changes on protein structure and function are either unavailable or do not agree on the potential impact of this missense change (SIFT: "Deleterious"; PolyPhen-2: "Possibly Damaging"; Align-GVGD: "Class C0"). In summary, the available evidence is currently insufficient to determine the role of this variant in disease. Therefore, it has been classified as a Variant of Uncertain Significance.